The following is an entry in ClinVar:

ClinVar aggregate classification (germline): Benign. Review status: criteria provided, multiple submitters, no conflicts (2 of 4 stars). 4 submissions from 4 submitters: Benign (3). 1 of the submissions does not count toward it. Last evaluated 2025-02-16.

Conditions:
BRSK2-related disorder. Also called: BRSK2-related condition; BRSK2-Related Disorders.

Allele frequency attached by ClinVar (database versions not stated): ExAC 0.60964; gnomAD exomes 0.61331; TOPMed 0.66428; gnomAD 0.68830.
gnomAD v4.1: 991,655 of 1,487,400 alleles (67%); highest among the groups gnomAD compares: African/African-American, 73%; 332,675 homozygotes.

Submissions (4):

Laboratory of Genetics, Children's Clinical University Hospital Latvia
Classification: Benign. Last evaluated: 2025-02-16. Review status: criteria provided, single submitter. Criteria: ACMG Guidelines, 2015. Collection method: clinical testing. Allele origin: germline. Affected: yes.

GeneDx
Classification: Benign. Last evaluated: 2020-10-21. Review status: criteria provided, single submitter. Criteria: GeneDx Variant Classification Process June 2021. Collection method: clinical testing. Allele origin: germline. Affected: yes.

Breakthrough Genomics
Classification: Benign. Review status: criteria provided, single submitter. Criteria: ACMG Guidelines, 2015. Collection method: not provided. Allele origin: germline. Inheritance: Unknown mechanism. Affected: yes.

PreventionGenetics, part of Exact Sciences
Classification: Benign for BRSK2-related condition. Last evaluated: 2019-10-17. Review status: no assertion criteria provided. Collection method: clinical testing. Allele origin: germline. Not counted in ClinVar's aggregate classification.
Comment: This variant is classified as benign based on ACMG/AMP sequence variant interpretation guidelines (Richards et al. 2015 PMID: 25741868, with internal and published modifications).

NM_001256627.2(BRSK2):c.2188A>G (p.Thr730Ala)

Gene: BRSK2 (BR serine/threonine kinase 2; plus strand). Cytogenetic location: 11p15.5.
Variant type: single nucleotide variant.
Coding change: c.2188A>G on transcript NM_001256627.2 (MANE Select); coding-DNA position 2188, A replaced by G.
Protein change: p.Thr730Ala; replaces threonine 730 with alanine.
Molecular consequence: missense variant. On other transcripts: intron variant (3).
Genome position (GRCh38, 1-based): chr11:1,460,700, A>G. VCF-style: chr11-1460700-A-G. GRCh37 (hg19) VCF-style: chr11-1481930-A-G.
Other names: c.2278A>G, p.Thr760Ala (NM_001256630.1); c.*10-270A>G (NM_001256629.2, NM_001282218.2); c.1988-270A>G (NM_003957.4); short protein forms T730A, T760A.
Identifiers: ClinVar variation 1281661 (VCV001281661.5), dbSNP rs4963048, ClinGen allele CA5811504.
Genomic context (GRCh38, chr11:1,460,700, plus strand): 5'-GGCCCCGGAGGGGACGCCGAGTACCCAACGGGCAAGGACACGGCCAAGATGGGCCCGCCC[A>G]CCGCCCGCCGCGAGCAGCCTTAGACACACTAGCCCCCCCCCCCAGCACAGCACTGACAGC-3'
Protein context (NP_001243556.1, residues 720-736): GKDTAKMGPP[Thr730Ala]ARREQP